The following is an entry in ClinVar:

ClinVar aggregate classification (germline): Uncertain significance (1 of 4 stars; one submission).

Allele frequency attached by ClinVar (database versions not stated): gnomAD exomes below 0.00001.
gnomAD v4.1: 4 of 1,612,096 alleles (0.00025%); highest among the groups gnomAD compares: Non-Finnish European, 0.00034%; no homozygotes.

Submission:

Labcorp Genetics (formerly Invitae), Labcorp
Classification: Uncertain significance. Last evaluated: 2023-08-30. Review status: criteria provided, single submitter. Criteria: Invitae Variant Classification Sherloc (09022015). Collection method: clinical testing. Allele origin: germline.
Comment: In summary, the available evidence is currently insufficient to determine the role of this variant in disease. Therefore, it has been classified as a Variant of Uncertain Significance. Advanced modeling of protein sequence and biophysical properties (such as structural, functional, and spatial information, amino acid conservation, physicochemical variation, residue mobility, and thermodynamic stability) performed at Invitae indicates that this missense variant is not expected to disrupt PHIP protein function. This variant has not been reported in the literature in individuals affected with PHIP-related conditions. This variant is not present in population databases (gnomAD no frequency). This sequence change replaces asparagine, which is neutral and polar, with lysine, which is basic and polar, at codon 1572 of the PHIP protein (p.Asn1572Lys).

NM_017934.7(PHIP):c.4716T>G (p.Asn1572Lys)

Genes: IRAK1BP1 (interleukin 1 receptor associated kinase 1 binding protein 1; plus strand), PHIP (PHIP subunit of CUL4-Ring ligase complex; minus strand). Cytogenetic location: 6q14.1.
Variant type: single nucleotide variant.
Coding change: c.4716T>G on transcript NM_017934.7 (MANE Select); coding-DNA position 4716, T replaced by G.
Protein change: p.Asn1572Lys; replaces asparagine 1572 with lysine.
Molecular consequence: missense variant.
Genome position (GRCh38, 1-based): chr6:78,945,412, A>C on the plus strand (T>G on the coding strand, the complement: PHIP is on the minus strand). VCF-style: chr6-78945412-A-C. GRCh37 (hg19) VCF-style: chr6-79655129-A-C.
Other names: short protein forms N1572K.
Identifiers: ClinVar variation 2851042 (VCV002851042.3), dbSNP rs2481789107, ClinGen allele CA364635444.
Genomic context (GRCh38, chr6:78,945,412, plus strand): 5'-AGATGACTTCATTTTACGTTTGACTGGCTTTTCCTTTTCCATGTTTTCTTTTGCAGAATT[A>C]TTCCTAGTGCCATGACTAAAACTGGATTGACCAGGACTGGAAAGAGTATTCAAAGCTTTG-3'
Protein context (NP_060404.4, residues 1562-1582): GQSSFSHGTR[Asn1572Lys]NSAKENMEKE